The following is an entry in ClinVar:

ClinVar aggregate classification (germline): Uncertain significance (1 of 4 stars; one submission).

Conditions:
Hereditary nonpolyposis colorectal neoplasms. Identifiers: MedGen C0009405, MeSH D003123.

Submission:

Labcorp Genetics (formerly Invitae), Labcorp
Classification: Uncertain significance for Hereditary nonpolyposis colorectal neoplasms. Last evaluated: 2023-02-01. Review status: criteria provided, single submitter. Criteria: Invitae Variant Classification Sherloc (09022015). Collection method: clinical testing. Allele origin: germline.
Comment: In summary, the available evidence is currently insufficient to determine the role of this variant in disease. Therefore, it has been classified as a Variant of Uncertain Significance. Advanced modeling of protein sequence and biophysical properties (such as structural, functional, and spatial information, amino acid conservation, physicochemical variation, residue mobility, and thermodynamic stability) performed at Invitae indicates that this missense variant is expected to disrupt PMS2 protein function. This variant has not been reported in the literature in individuals affected with PMS2-related conditions. This variant is not present in population databases (gnomAD no frequency). This sequence change replaces valine, which is neutral and non-polar, with phenylalanine, which is neutral and non-polar, at codon 187 of the PMS2 protein (p.Val187Phe).

NM_000535.7(PMS2):c.559G>T (p.Val187Phe)

Gene: PMS2 (PMS1 homolog 2, mismatch repair system component; minus strand). Cytogenetic location: 7p22.1.
Variant type: single nucleotide variant.
Coding change: c.559G>T on transcript NM_000535.7 (MANE Select); coding-DNA position 559, G replaced by T.
Protein change: p.Val187Phe; replaces valine 187 with phenylalanine.
Molecular consequence: missense variant. On other transcripts: non-coding transcript variant (1), intron variant (9).
Genome position (GRCh38, 1-based): chr7:5,999,254, C>A on the plus strand (G>T on the coding strand, the complement: PMS2 is on the minus strand). VCF-style: chr7-5999254-C-A. GRCh37 (hg19) VCF-style: chr7-6038885-C-A.
Other names: c.154G>T, p.Val52Phe (NM_001322003.2, NM_001322004.2, NM_001406889.1 and 22 more transcripts); c.559G>T, p.Val187Phe (NM_001406869.1, NM_001406870.1, NM_001406871.1 and 5 more transcripts); c.241G>T, p.Val81Phe (NM_001406876.1, NM_001406883.1, NM_001406901.1 and 4 more transcripts); c.250G>T, p.Val84Phe (NM_001406877.1, NM_001406880.1, NM_001406881.1 and 6 more transcripts); c.132+3199G>T (NM_001406911.1); c.133-1831G>T (NM_001322013.2, NM_001406909.1); c.-347-28G>T (NM_001322012.2, NM_001322011.2); c.251-28G>T (NM_001406885.1); and 4 more; short protein forms V187F, V249F, V52F, V81F, V84F, V195F.
Identifiers: ClinVar variation 2833397 (VCV002833397.3), dbSNP rs2128801928, ClinGen allele CA366744091.
Genomic context (GRCh38, chr7:5,999,254, plus strand): 5'-CAAGCTGATTGGTGCAACTTACACGGATGCCTGCTGAAATGATACAGTATGCATGTAAGA[C>A]CTGGACCATTTTGGCATACTCCTGTTTAAAAAACACAAACACAATATTCTACATTACTTT-3'
Protein context (NP_000526.2, residues 177-197): IKKEYAKMVQ[Val187Phe]LHAYCIISAG